The following is an entry in ClinVar:

ClinVar aggregate classification (germline): Conflicting classifications of pathogenicity. Review status: criteria provided, conflicting classifications (1 of 4 stars). 5 submissions from 5 submitters: Uncertain significance (1); Benign (1); Likely benign (2). 1 of the submissions does not count toward it. Last evaluated 2026-01-26.

Conditions:
Hermansky-Pudlak syndrome 6 (HPS6). Identifiers: Orphanet 231512, Orphanet 79430, MedGen C3888007, MONDO:0013558, OMIM 614075.
HPS6-related disorder. Also called: HPS6-related condition.

Allele frequency attached by ClinVar (database versions not stated): TOPMed 0.00003; gnomAD 0.00006 and 0.00009; gnomAD exomes 0.00011 and 0.00020; ExAC 0.00020.

Submissions (5):

Labcorp Genetics (formerly Invitae), Labcorp
Classification: Benign. Last evaluated: 2026-01-26. Review status: criteria provided, single submitter. Criteria: Invitae Variant Classification Sherloc (09022015). Collection method: clinical testing. Allele origin: germline.

Women's Health and Genetics/Laboratory Corporation of America, LabCorp
Classification: Likely benign. Last evaluated: 2025-03-18. Review status: criteria provided, single submitter. Criteria: LabCorp Variant Classification Summary - May 2015. Collection method: clinical testing. Allele origin: germline.

Blueprint Genetics
Classification: Likely benign. Last evaluated: 2024-11-26. Review status: criteria provided, single submitter. Criteria: ACMG Guidelines, 2015. Collection method: clinical testing. Allele origin: germline.

Illumina Laboratory Services, Illumina
Classification: Uncertain significance for Hermansky-Pudlak syndrome 6. Last evaluated: 2018-01-22. Review status: criteria provided, single submitter. Criteria: ICSL Variant Classification Criteria 13 December 2019. Collection method: clinical testing. Allele origin: germline.

PreventionGenetics, part of Exact Sciences
Classification: Likely benign for HPS6-related condition. Last evaluated: 2021-08-31. Review status: no assertion criteria provided. Collection method: clinical testing. Allele origin: germline. Not counted in ClinVar's aggregate classification.
Comment: This variant is classified as likely benign based on ACMG/AMP sequence variant interpretation guidelines (Richards et al. 2015 PMID: 25741868, with internal and published modifications).

NM_024747.6(HPS6):c.1152T>C (p.Phe384=)

Gene: HPS6 (HPS6 biogenesis of lysosomal organelles complex 2 subunit 3; plus strand). Cytogenetic location: 10q24.32.
Variant type: single nucleotide variant.
Coding change: c.1152T>C on transcript NM_024747.6 (MANE Select); coding-DNA position 1152, T replaced by C.
Protein change: p.Phe384=; no amino-acid change (phenylalanine 384 retained).
Molecular consequence: synonymous variant.
Genome position (GRCh38, 1-based): chr10:102,066,626, T>C. VCF-style: chr10-102066626-T-C. GRCh37 (hg19) VCF-style: chr10-103826383-T-C.
Identifiers: ClinVar variation 879246 (VCV000879246.15), dbSNP rs200681093, ClinGen allele CA5659929.